The following is an entry in ClinVar:

ClinVar aggregate classification (germline): Uncertain significance (1 of 4 stars; one submission).

Submission:

Labcorp Genetics (formerly Invitae), Labcorp
Classification: Uncertain significance. Last evaluated: 2024-03-03. Review status: criteria provided, single submitter. Criteria: Invitae Variant Classification Sherloc (09022015). Collection method: clinical testing. Allele origin: germline.
Comment: This sequence change replaces aspartic acid, which is acidic and polar, with valine, which is neutral and non-polar, at codon 717 of the HMCN1 protein (p.Asp717Val). This variant is not present in population databases (gnomAD no frequency). This variant has not been reported in the literature in individuals affected with HMCN1-related conditions. ClinVar contains an entry for this variant (Variation ID: 1962145). An algorithm developed to predict the effect of missense changes on protein structure and function (PolyPhen-2) suggests that this variant is likely to be disruptive. In summary, the available evidence is currently insufficient to determine the role of this variant in disease. Therefore, it has been classified as a Variant of Uncertain Significance.

NM_031935.3(HMCN1):c.2150A>T (p.Asp717Val)

Gene: HMCN1 (hemicentin 1; plus strand). Cytogenetic location: 1q31.1.
Variant type: single nucleotide variant.
Coding change: c.2150A>T on transcript NM_031935.3 (MANE Select); coding-DNA position 2150, A replaced by T.
Protein change: p.Asp717Val; replaces aspartic acid 717 with valine.
Molecular consequence: missense variant.
Genome position (GRCh38, 1-based): chr1:185,965,853, A>T. VCF-style: chr1-185965853-A-T. GRCh37 (hg19) VCF-style: chr1-185934985-A-T.
Other names: short protein forms D717V.
Identifiers: ClinVar variation 1962145 (VCV001962145.5), dbSNP rs2527282826, ClinGen allele CA343877437.